The following is an entry in ClinVar:

NM_001614.5(ACTG1):c.618G>A (p.Arg206=)

Gene: ACTG1 (actin gamma 1; minus strand). Cytogenetic location: 17q25.3.
Variant type: single nucleotide variant.
Coding change: c.618G>A on transcript NM_001614.5 (MANE Select); coding-DNA position 618, G replaced by A.
Protein change: p.Arg206=; no amino-acid change (arginine 206 retained).
Molecular consequence: synonymous variant. On other transcripts: non-coding transcript variant (1).
Genome position (GRCh38, 1-based): chr17:81,511,372, C>T on the plus strand (G>A on the coding strand, the complement: ACTG1 is on the minus strand). VCF-style: chr17-81511372-C-T. GRCh37 (hg19) VCF-style: chr17-79478398-C-T.
Other names: c.618G>A, p.Arg206= (NM_001199954.3).
Identifiers: ClinVar variation 511748 (VCV000511748.5), dbSNP rs375061969, ClinGen allele CA8836035.
Genomic context (GRCh38, chr17:81,511,372, plus strand): 5'-CTCCTGCTCGAAGTCCAGGGCGACGTAGCACAGCTTCTCCTTGATGTCGCGCACGATTTC[C>T]CGCTCGGCCGTGGTGGTGAAGCTGTAGCCTCGCTCAGTGAGGATCTTCATGAGGTAGTCG-3'
Protein context (NP_001605.1, residues 196-216): RGYSFTTTAE[Arg206=]EIVRDIKEKL

ClinVar aggregate classification (germline): Likely benign. Review status: criteria provided, multiple submitters, no conflicts (2 of 4 stars). 3 submissions from 3 submitters: Likely benign (3). Last evaluated 2023-10-24.

Conditions:
Autosomal dominant nonsyndromic hearing loss 20. Identifiers: Orphanet 90635, MedGen C1858172, MONDO:0011480, OMIM 604717.
Baraitser-winter syndrome 2. Identifiers: Orphanet 2995, MedGen C3281235, MONDO:0013812, OMIM 614583.

Allele frequency attached by ClinVar (database versions not stated): gnomAD exomes 0.00001 and 0.00002; TOPMed 0.00002; ExAC 0.00003; gnomAD 0.00003 and 0.00004; ESP Exome Variant Server 0.00008.

Submissions (3):

Labcorp Genetics (formerly Invitae), Labcorp
Classification: Likely benign for Baraitser-winter syndrome 2; Autosomal dominant nonsyndromic hearing loss 20. Last evaluated: 2023-10-24. Review status: criteria provided, single submitter. Criteria: Invitae Variant Classification Sherloc (09022015). Collection method: clinical testing. Allele origin: germline.

Blueprint Genetics
Classification: Likely benign. Last evaluated: 2019-03-13. Review status: criteria provided, single submitter. Criteria: ACMG Guidelines, 2015. Collection method: clinical testing. Allele origin: germline.

GeneDx
Classification: Likely benign. Last evaluated: 2017-09-08. Review status: criteria provided, single submitter. Criteria: GeneDx Variant Classification (06012015). Collection method: clinical testing. Allele origin: germline. Affected: yes.
Comment: This variant is considered likely benign or benign based on one or more of the following criteria: it is a conservative change, it occurs at a poorly conserved position in the protein, it is predicted to be benign by multiple in silico algorithms, and/or has population frequency not consistent with disease.